The following is an entry in ClinVar:

NM_001042492.3(NF1):c.6768C>A (p.Ser2256Arg)

Gene: NF1 (neurofibromin 1; plus strand). Cytogenetic location: 17q11.2.
Variant type: single nucleotide variant.
Coding change: c.6768C>A on transcript NM_001042492.3 (MANE Select); coding-DNA position 6768, C replaced by A.
Protein change: p.Ser2256Arg; replaces serine 2256 with arginine.
Molecular consequence: missense variant.
Genome position (GRCh38, 1-based): chr17:31,338,088, C>A. VCF-style: chr17-31338088-C-A. GRCh37 (hg19) VCF-style: chr17-29665106-C-A.
Other names: c.6705C>A, p.Ser2235Arg (NM_000267.4); short protein forms S2256R, S2235R.
Identifiers: ClinVar variation 2703848 (VCV002703848.4), dbSNP rs2151558236, ClinGen allele CA399014117.

ClinVar aggregate classification (germline): Uncertain significance. Review status: criteria provided, multiple submitters, no conflicts (2 of 4 stars). 2 submissions from 2 submitters: Uncertain significance (2). Last evaluated 2025-01-17.

Conditions:
Hereditary cancer-predisposing syndrome. Also called: Neoplastic Syndromes, Hereditary; Hereditary neoplastic syndrome; Tumor predisposition; Hereditary Cancer Syndrome. Identifiers: Orphanet 140162, MedGen C0027672, MeSH D009386, MONDO:0015356.
Cardiovascular phenotype. Identifiers: MedGen CN230736.
Neurofibromatosis, type 1 (NF1). Also called: Peripheral type neurofibromatosis; VON RECKLINGHAUSEN DISEASE; NEUROFIBROMATOSIS, TYPE I, SOMATIC; Neurofibromatosis, type I. Identifiers: Orphanet 636, MedGen C0027831, MONDO:0018975, OMIM 162200. Disease mechanism: loss of function.

Submissions (2):

Ambry Genetics
Classification: Uncertain significance for Cardiovascular phenotype; Hereditary cancer-predisposing syndrome. Last evaluated: 2025-01-17. Review status: criteria provided, single submitter. Criteria: Ambry Variant Classification Scheme 2023. Collection method: clinical testing. Allele origin: germline.
Comment: The p.S2235R variant (also known as c.6705C>A), located in coding exon 44 of the NF1 gene, results from a C to A substitution at nucleotide position 6705. The serine at codon 2235 is replaced by arginine, an amino acid with dissimilar properties. This amino acid position is conserved. In addition, the in silico prediction for this alteration is inconclusive. Based on the available evidence, the clinical significance of this variant remains unclear.

Labcorp Genetics (formerly Invitae), Labcorp
Classification: Uncertain significance for Neurofibromatosis, type 1. Last evaluated: 2024-07-03. Review status: criteria provided, single submitter. Criteria: Invitae Variant Classification Sherloc (09022015). Collection method: clinical testing. Allele origin: germline.
Comment: This sequence change replaces serine, which is neutral and polar, with arginine, which is basic and polar, at codon 2235 of the NF1 protein (p.Ser2235Arg). This variant is not present in population databases (gnomAD no frequency). This variant has not been reported in the literature in individuals affected with NF1-related conditions. Advanced modeling of protein sequence and biophysical properties (such as structural, functional, and spatial information, amino acid conservation, physicochemical variation, residue mobility, and thermodynamic stability) performed at Invitae indicates that this missense variant is expected to disrupt NF1 protein function with a positive predictive value of 95%. In summary, the available evidence is currently insufficient to determine the role of this variant in disease. Therefore, it has been classified as a Variant of Uncertain Significance.